The following is an entry in ClinVar:

ClinVar aggregate classification (germline): Conflicting classifications of pathogenicity. Review status: criteria provided, conflicting classifications (1 of 4 stars). 2 submissions from 2 submitters: Uncertain significance (1); Likely benign (1). Last evaluated 2025-05-19.

Allele frequency attached by ClinVar (database versions not stated): gnomAD exomes 0.00005; ExAC 0.00008; ESP Exome Variant Server 0.00008; TOPMed 0.00010; gnomAD 0.00015; 1000 Genomes Project 30x 0.00016; 1000 Genomes Project 0.00020.
gnomAD v4.1: 99 of 1,613,762 alleles (0.0061%); highest among the groups gnomAD compares: African/African-American, 0.036%; no homozygotes.

Submissions (2):

Ambry Genetics
Classification: Uncertain significance. Last evaluated: 2025-05-19. Review status: criteria provided, single submitter. Criteria: Ambry Variant Classification Scheme 2023. Collection method: clinical testing. Allele origin: germline.

CeGaT Center for Human Genetics Tuebingen
Classification: Likely benign. Last evaluated: 2022-06-01. Review status: criteria provided, single submitter. Criteria: CeGaT Center For Human Genetics Tuebingen Variant Classification Criteria Version 2. Collection method: clinical testing. Allele origin: germline. Affected: yes. Observed: 1 variant allele.
Comment: PXDNL: BP4

NM_144651.5(PXDNL):c.1691C>T (p.Thr564Met)

Gene: PXDNL (peroxidasin like; minus strand). Cytogenetic location: 8q11.22.
Variant type: single nucleotide variant.
Coding change: c.1691C>T on transcript NM_144651.5 (MANE Select); coding-DNA position 1691, C replaced by T.
Protein change: p.Thr564Met; replaces threonine 564 with methionine.
Molecular consequence: missense variant.
Genome position (GRCh38, 1-based): chr8:51,423,679, G>A on the plus strand (C>T on the coding strand, the complement: PXDNL is on the minus strand). VCF-style: chr8-51423679-G-A. GRCh37 (hg19) VCF-style: chr8-52336239-G-A.
Other names: short protein forms T564M.
Identifiers: ClinVar variation 2254788 (VCV002254788.26), dbSNP rs199879389, ClinGen allele CA4745273.